The following is an entry in ClinVar:

ClinVar aggregate classification (germline): Uncertain significance (1 of 4 stars; one submission).

Conditions:
MHC class II deficiency. Also called: Bare lymphocyte syndrome 2; BLS, TYPE II. Identifiers: Orphanet 572, MedGen C5447452, MONDO:0008855.

Allele frequency attached by ClinVar (database versions not stated): gnomAD exomes below 0.00001.

Submission:

Labcorp Genetics (formerly Invitae), Labcorp
Classification: Uncertain significance for MHC class II deficiency. Last evaluated: 2022-08-09. Review status: criteria provided, single submitter. Criteria: Invitae Variant Classification Sherloc (09022015). Collection method: clinical testing. Allele origin: germline.
Comment: In summary, the available evidence is currently insufficient to determine the role of this variant in disease. Therefore, it has been classified as a Variant of Uncertain Significance. Algorithms developed to predict the effect of missense changes on protein structure and function (SIFT, PolyPhen-2, Align-GVGD) all suggest that this variant is likely to be tolerated. This variant has not been reported in the literature in individuals affected with RFX5-related conditions. This variant is not present in population databases (gnomAD no frequency). This sequence change replaces proline, which is neutral and non-polar, with leucine, which is neutral and non-polar, at codon 562 of the RFX5 protein (p.Pro562Leu).

NM_001025603.2(RFX5):c.1685C>T (p.Pro562Leu)

Gene: RFX5 (regulatory factor X5; minus strand). Cytogenetic location: 1q21.3.
Variant type: single nucleotide variant.
Coding change: c.1685C>T on transcript NM_001025603.2 (MANE Select); coding-DNA position 1685, C replaced by T.
Protein change: p.Pro562Leu; replaces proline 562 with leucine.
Molecular consequence: missense variant.
Genome position (GRCh38, 1-based): chr1:151,342,352, G>A on the plus strand (C>T on the coding strand, the complement: RFX5 is on the minus strand). VCF-style: chr1-151342352-G-A. GRCh37 (hg19) VCF-style: chr1-151314828-G-A.
Other names: c.1685C>T, p.Pro562Leu (NM_001379412.1, NM_001379413.1, NM_001379414.1 and 5 more transcripts); c.1565C>T, p.Pro522Leu (NM_001379419.1, NM_001379420.1); short protein forms P522L, P562L.
Identifiers: ClinVar variation 1715774 (VCV001715774.5), dbSNP rs1650521612, ClinGen allele CA341924206.